The following is an entry in ClinVar:

ClinVar aggregate classification (germline): Uncertain significance. Review status: criteria provided, multiple submitters, no conflicts (2 of 4 stars). 2 submissions from 2 submitters: Uncertain significance (2). Last evaluated 2023-08-17.

Allele frequency attached by ClinVar (database versions not stated): ExAC 0.00001; gnomAD exomes 0.00001 and 0.00002; TOPMed 0.00002; gnomAD 0.00004.
gnomAD v4.1: 23 of 1,612,270 alleles (0.0014%); highest among the groups gnomAD compares: Admixed American, 0.012%; no homozygotes.

Submissions (2):

Labcorp Genetics (formerly Invitae), Labcorp
Classification: Uncertain significance. Last evaluated: 2023-08-17. Review status: criteria provided, single submitter. Criteria: Invitae Variant Classification Sherloc (09022015). Collection method: clinical testing. Allele origin: germline.
Comment: An algorithm developed to predict the effect of missense changes on protein structure and function (PolyPhen-2) suggests that this variant is likely to be disruptive. In summary, the available evidence is currently insufficient to determine the role of this variant in disease. Therefore, it has been classified as a Variant of Uncertain Significance. ClinVar contains an entry for this variant (Variation ID: 1491355). This variant has not been reported in the literature in individuals affected with MYO18B-related conditions. This variant is present in population databases (rs556688211, gnomAD 0.01%). This sequence change replaces leucine, which is neutral and non-polar, with histidine, which is basic and polar, at codon 1168 of the MYO18B protein (p.Leu1168His).

GeneDx
Classification: Uncertain significance. Last evaluated: 2023-06-20. Review status: criteria provided, single submitter. Criteria: GeneDx Variant Classification Process June 2021. Collection method: clinical testing. Allele origin: germline. Affected: yes.
Comment: In silico analysis supports that this missense variant has a deleterious effect on protein structure/function; Has not been previously published as pathogenic or benign to our knowledge

NM_032608.7(MYO18B):c.3503T>A (p.Leu1168His)

Gene: MYO18B (myosin XVIIIB; plus strand). Cytogenetic location: 22q12.1.
Variant type: single nucleotide variant.
Coding change: c.3503T>A on transcript NM_032608.7 (MANE Select); coding-DNA position 3503, T replaced by A.
Protein change: p.Leu1168His; replaces leucine 1168 with histidine.
Molecular consequence: missense variant.
Genome position (GRCh38, 1-based): chr22:25,846,234, T>A. VCF-style: chr22-25846234-T-A. GRCh37 (hg19) VCF-style: chr22-26242201-T-A.
Other names: c.3506T>A, p.Leu1169His (NM_001318245.2); c.3503T>A (NM_032608.5); short protein forms L1168H, L1169H.
Identifiers: ClinVar variation 1491355 (VCV001491355.7), dbSNP rs556688211, ClinGen allele CA10160577.